The following is an entry in ClinVar:

ClinVar aggregate classification (germline): Uncertain significance. Review status: criteria provided, single submitter (1 of 4 stars). 2 submissions from 2 submitters: Uncertain significance (1). 1 of the submissions does not count toward it. Last evaluated 2025-04-07.

Conditions:
ABCA13-related disorder. Also called: ABCA13-related condition.

gnomAD v4.1: 1 of 1,610,124 alleles (0.000062%); highest among the groups gnomAD compares: Non-Finnish European, 0.000085%; no homozygotes.

Submissions (2):

Ambry Genetics
Classification: Uncertain significance. Last evaluated: 2025-04-07. Review status: criteria provided, single submitter. Criteria: Ambry Variant Classification Scheme 2023. Collection method: clinical testing. Allele origin: germline.

PreventionGenetics, part of Exact Sciences
Classification: Uncertain significance for ABCA13-related condition. Last evaluated: 2024-06-21. Review status: no assertion criteria provided. Collection method: clinical testing. Allele origin: germline. Not counted in ClinVar's aggregate classification.
Comment: The ABCA13 c.14994C>G variant is predicted to result in the amino acid substitution p.Cys4998Trp. To our knowledge, this variant has not been reported in the literature or in a large population database, indicating this variant is rare. At this time, the clinical significance of this variant is uncertain due to the absence of conclusive functional and genetic evidence.

NM_152701.5(ABCA13):c.14994C>G (p.Cys4998Trp)

Gene: ABCA13 (ATP binding cassette subfamily A member 13; plus strand). Cytogenetic location: 7p12.3.
Variant type: single nucleotide variant.
Coding change: c.14994C>G on transcript NM_152701.5 (MANE Select); coding-DNA position 14994, C replaced by G.
Protein change: p.Cys4998Trp; replaces cysteine 4998 with tryptophan.
Molecular consequence: missense variant.
Genome position (GRCh38, 1-based): chr7:48,644,667, C>G. VCF-style: chr7-48644667-C-G. GRCh37 (hg19) VCF-style: chr7-48684263-C-G.
Other names: c.14994C>G (NM_152701.3); short protein forms C4998W.
Identifiers: ClinVar variation 3347111 (VCV003347111.2).
Genomic context (GRCh38, chr7:48,644,667, plus strand): 5'-TTGCTTTTAGGGACAGCACCTGAATTTATTAGAATATCATGTGCCAAAAAGATGGGGATG[C>G]CTAGCTGACTTGTTCAAAGTTATAGAGAACAATAAAACCTTCTTGAATATTAAGCATTAT-3'
Protein context (NP_689914.3, residues 4988-5008): LEYHVPKRWG[Cys4998Trp]LADLFKVIEN